The following is an entry in ClinVar:

ClinVar aggregate classification (germline): Uncertain significance (1 of 4 stars; one submission).

Allele frequency attached by ClinVar (database versions not stated): gnomAD 0.00001; gnomAD exomes 0.00001 and 0.00008; TOPMed 0.00003; ExAC 0.00004; 1000 Genomes Project 30x 0.00016; 1000 Genomes Project 0.00020.
gnomAD v4.1: 23 of 1,613,582 alleles (0.0014%); highest among the groups gnomAD compares: Admixed American, 0.037%; no homozygotes.

Submission:

Labcorp Genetics (formerly Invitae), Labcorp
Classification: Uncertain significance. Last evaluated: 2021-12-08. Review status: criteria provided, single submitter. Criteria: Invitae Variant Classification Sherloc (09022015). Collection method: clinical testing. Allele origin: germline.
Comment: This sequence change replaces arginine, which is basic and polar, with serine, which is neutral and polar, at codon 751 of the LTBP2 protein (p.Arg751Ser). This variant is present in population databases (rs201582845, gnomAD 0.06%). This variant has not been reported in the literature in individuals affected with LTBP2-related conditions. Algorithms developed to predict the effect of missense changes on protein structure and function output the following: SIFT: "Tolerated"; PolyPhen-2: "Benign"; Align-GVGD: "Class C0". The serine amino acid residue is found in multiple mammalian species, which suggests that this missense change does not adversely affect protein function. In summary, the available evidence is currently insufficient to determine the role of this variant in disease. Therefore, it has been classified as a Variant of Uncertain Significance.

NM_000428.3(LTBP2):c.2253G>T (p.Arg751Ser)

Gene: LTBP2 (latent transforming growth factor beta binding protein 2; minus strand). Cytogenetic location: 14q24.3.
Variant type: single nucleotide variant.
Coding change: c.2253G>T on transcript NM_000428.3 (MANE Select); coding-DNA position 2253, G replaced by T.
Protein change: p.Arg751Ser; replaces arginine 751 with serine.
Molecular consequence: missense variant.
Genome position (GRCh38, 1-based): chr14:74,528,598, C>A on the plus strand (G>T on the coding strand, the complement: LTBP2 is on the minus strand). VCF-style: chr14-74528598-C-A. GRCh37 (hg19) VCF-style: chr14-74995301-C-A.
Other names: short protein forms R751S.
Identifiers: ClinVar variation 1425396 (VCV001425396.3), dbSNP rs201582845, ClinGen allele CA7269598.